The following is an entry in ClinVar:

NM_024675.4(PALB2):c.2580G>C (p.Glu860Asp)

Gene: PALB2 (partner and localizer of BRCA2; minus strand). Cytogenetic location: 16p12.2.
Variant type: single nucleotide variant.
Coding change: c.2580G>C on transcript NM_024675.4 (MANE Select); coding-DNA position 2580, G replaced by C.
Protein change: p.Glu860Asp; replaces glutamic acid 860 with aspartic acid.
Molecular consequence: missense variant. On other transcripts: intron variant (1).
Genome position (GRCh38, 1-based): chr16:23,629,210, C>G on the plus strand (G>C on the coding strand, the complement: PALB2 is on the minus strand). VCF-style: chr16-23629210-C-G. GRCh37 (hg19) VCF-style: chr16-23640531-C-G.
Other names: c.2520G>C, p.Glu840Asp (NM_001407296.1); c.2580G>C, p.Glu860Asp (NM_001407298.1, NM_001407299.1, NM_001407300.1 and 2 more transcripts); c.1695G>C, p.Glu565Asp (NM_001407304.1, NM_001407305.1, NM_001407306.1 and 5 more transcripts); c.792G>C, p.Glu264Asp (NM_001407312.1, NM_001407313.1); c.114G>C, p.Glu38Asp (NM_001407314.1); c.2514+430G>C (NM_001407297.1); short protein forms E264D, E38D, E565D, E840D, E860D.
Identifiers: ClinVar variation 2682036 (VCV002682036.5), dbSNP rs1348398121, ClinGen allele CA395123654.
Genomic context (GRCh38, chr16:23,629,210, plus strand): 5'-ATTAAAGTTTTCATATGTAAGACACGAGACACTGGAAGAGAATATTCTTCTGACCTTTAA[C>G]TCTGAAACCAATTGTAGGTTGCCTGGGTTTATGCTATCAGAAGCAGGAAGCTCTGCTGTT-3'
Protein context (NP_078951.2, residues 850-870): INPGNLQLVS[Glu860Asp]LKNPSGSCSV

ClinVar aggregate classification (germline): Conflicting classifications of pathogenicity. Review status: criteria provided, conflicting classifications (1 of 4 stars). 4 submissions from 4 submitters: Uncertain significance (3); Likely benign (1). Last evaluated 2024-07-31.

Conditions:
Breast-ovarian cancer, familial, susceptibility to, 5 (BROVCA5). Identifiers: MedGen C5830615, MONDO:0957530, OMIM 620442.
Hereditary cancer-predisposing syndrome. Also called: Neoplastic Syndromes, Hereditary; Hereditary neoplastic syndrome; Tumor predisposition; Hereditary Cancer Syndrome. Identifiers: Orphanet 140162, MedGen C0027672, MeSH D009386, MONDO:0015356.

Allele frequency attached by ClinVar (database versions not stated): TOPMed below 0.00001.
gnomAD v4.1: 1 of 1,612,194 alleles (0.000062%); highest among the groups gnomAD compares: Non-Finnish European, 0.000085%; no homozygotes.

Submissions (4):

Ambry Genetics
Classification: Likely benign for Hereditary cancer-predisposing syndrome. Last evaluated: 2024-07-31. Review status: criteria provided, single submitter. Criteria: Ambry Variant Classification Scheme 2023. Collection method: clinical testing. Allele origin: germline.

Department of Pathology and Laboratory Medicine, Sinai Health System
Classification: Uncertain significance for Breast-ovarian cancer, familial, susceptibility to, 5. Last evaluated: 2023-09-26. Review status: criteria provided, single submitter. Criteria: ACMG Guidelines, 2015. Collection method: clinical testing. Allele origin: germline. Affected: yes.

Quest Diagnostics Nichols Institute San Juan Capistrano
Classification: Uncertain significance. Last evaluated: 2023-05-03. Review status: criteria provided, single submitter. Criteria: Quest Diagnostics criteria. Collection method: clinical testing. Allele origin: unknown.
Comment: To the best of our knowledge, this variant has not been reported in the published literature. It also has not been reported in large, multi-ethnic general populations. Analysis of this variant using bioinformatics tools for the prediction of the effect of amino acid changes on protein structure and function yielded predictions that this variant is benign. Based on the available information, we are unable to determine the clinical significance of this variant.

Color Diagnostics, LLC DBA Color Health
Classification: Uncertain significance for Hereditary cancer-predisposing syndrome. Last evaluated: 2022-04-05. Review status: criteria provided, single submitter. Criteria: ACMG Guidelines, 2015. Collection method: clinical testing. Allele origin: germline.
Comment: This missense variant replaces glutamic acid with aspartic acid at codon 860 of the PALB2 protein. Computational prediction suggests that this variant may not impact protein structure and function (internally defined REVEL score threshold <= 0.5, PMID: 27666373). To our knowledge, functional studies have not been reported for this variant. This variant has not been reported in individuals affected with hereditary cancer in the literature. This variant has not been identified in the general population by the Genome Aggregation Database (gnomAD). The available evidence is insufficient to determine the role of this variant in disease conclusively. Therefore, this variant is classified as a Variant of Uncertain Significance.